The following is an entry in ClinVar:

NM_000264.5(PTCH1):c.3967T>G (p.Phe1323Val)

Gene: PTCH1 (patched 1; minus strand). Cytogenetic location: 9q22.32.
Variant type: single nucleotide variant.
Coding change: c.3967T>G on transcript NM_000264.5 (MANE Select); coding-DNA position 3967, T replaced by G.
Protein change: p.Phe1323Val; replaces phenylalanine 1323 with valine.
Molecular consequence: missense variant. On other transcripts: non-coding transcript variant (1).
Genome position (GRCh38, 1-based): chr9:95,447,289, A>C on the plus strand (T>G on the coding strand, the complement: PTCH1 is on the minus strand). VCF-style: chr9-95447289-A-C. GRCh37 (hg19) VCF-style: chr9-98209571-A-C.
Other names: c.3769T>G, p.Phe1257Val (NM_001083602.3); c.3964T>G, p.Phe1322Val (NM_001083603.3); c.3514T>G, p.Phe1172Val (NM_001083604.3, NM_001083605.3, NM_001083606.3 and 1 more transcripts); c.3811T>G, p.Phe1271Val (NM_001354918.2); short protein forms F1172V, F1271V, F1323V, F1257V, F1322V.
Identifiers: ClinVar variation 1736569 (VCV001736569.3), dbSNP rs2136580485, ClinGen allele CA374110576.
Genomic context (GRCh38, chr9:95,447,289, plus strand): 5'-CGCGAGGGCCCCAGCGGGCCCTATTGCTAGGGCCAGAATGCCCTTCAGTAGAAATTTCAA[A>C]AGCGTCTCTGCGCGGTCTGTAGGGGGGTGGCCACAAGCCTTCTCTGGGGGGGTCCCTGCG-3'
Protein context (NP_000255.2, residues 1313-1333): PPPYRPRRDA[Phe1323Val]EISTEGHSGP

ClinVar aggregate classification (germline): Uncertain significance (1 of 4 stars; one submission).

Conditions:
Hereditary cancer-predisposing syndrome. Also called: Neoplastic Syndromes, Hereditary; Tumor predisposition; Hereditary Cancer Syndrome; Hereditary neoplastic syndrome. Identifiers: Orphanet 140162, MedGen C0027672, MeSH D009386, MONDO:0015356.

Submission:

Ambry Genetics
Classification: Uncertain significance for Hereditary cancer-predisposing syndrome. Last evaluated: 2024-05-30. Review status: criteria provided, single submitter. Criteria: Ambry Variant Classification Scheme 2023. Collection method: clinical testing. Allele origin: germline.
Comment: The p.F1323V variant (also known as c.3967T>G), located in coding exon 23 of the PTCH1 gene, results from a T to G substitution at nucleotide position 3967. The phenylalanine at codon 1323 is replaced by valine, an amino acid with highly similar properties. This amino acid position is conserved. In addition, this alteration is predicted to be deleterious by in silico analysis. Since supporting evidence is limited at this time, the clinical significance of this alteration remains unclear.